The following is an entry in ClinVar:

ClinVar aggregate classification (germline): Uncertain significance. Review status: criteria provided, multiple submitters, no conflicts (2 of 4 stars). 2 submissions from 2 submitters: Uncertain significance (2). Last evaluated 2024-02-05.

Conditions:
Mucopolysaccharidosis type 1. Also called: IDUA deficiency; MPS I; Mucopolysaccharidosis Type I. Identifiers: Orphanet 579, MedGen C0023786, MONDO:0001586.

Submissions (2):

Labcorp Genetics (formerly Invitae), Labcorp
Classification: Uncertain significance for Mucopolysaccharidosis type 1. Last evaluated: 2024-02-05. Review status: criteria provided, single submitter. Criteria: Invitae Variant Classification Sherloc (09022015). Collection method: clinical testing. Allele origin: germline.
Comment: This sequence change replaces tyrosine, which is neutral and polar, with histidine, which is basic and polar, at codon 318 of the IDUA protein (p.Tyr318His). This variant is not present in population databases (gnomAD no frequency). This variant has not been reported in the literature in individuals affected with IDUA-related conditions. ClinVar contains an entry for this variant (Variation ID: 2115341). Advanced modeling of protein sequence and biophysical properties (such as structural, functional, and spatial information, amino acid conservation, physicochemical variation, residue mobility, and thermodynamic stability) performed at Invitae indicates that this missense variant is expected to disrupt IDUA protein function with a positive predictive value of 95%. In summary, the available evidence is currently insufficient to determine the role of this variant in disease. Therefore, it has been classified as a Variant of Uncertain Significance.

Revvity Omics, Revvity
Classification: Uncertain significance. Last evaluated: 2023-07-18. Review status: criteria provided, single submitter. Criteria: ACMG Guidelines, 2015. Collection method: clinical testing. Allele origin: germline.

NM_000203.5(IDUA):c.952T>C (p.Tyr318His)

Gene: IDUA (alpha-L-iduronidase; plus strand). Cytogenetic location: 4p16.3.
Variant type: single nucleotide variant.
Coding change: c.952T>C on transcript NM_000203.5 (MANE Select); coding-DNA position 952, T replaced by C.
Protein change: p.Tyr318His; replaces tyrosine 318 with histidine.
Molecular consequence: missense variant. On other transcripts: non-coding transcript variant (1).
Genome position (GRCh38, 1-based): chr4:1,002,141, T>C. VCF-style: chr4-1002141-T-C. GRCh37 (hg19) VCF-style: chr4-995929-T-C.
Other names: c.556T>C, p.Tyr186His (NM_001363576.1); short protein forms Y186H, Y318H.
Identifiers: ClinVar variation 2115341 (VCV002115341.6), dbSNP rs2534088071, ClinGen allele CA355962789.